The following is an entry in ClinVar:

ClinVar aggregate classification (germline): Uncertain significance. Review status: criteria provided, multiple submitters, no conflicts (2 of 4 stars). 3 submissions from 3 submitters: Uncertain significance (3). Last evaluated 2024-10-17.

Allele frequency attached by ClinVar (database versions not stated): gnomAD exomes 0.00001 and 0.00002; ExAC 0.00003; gnomAD 0.00005; TOPMed 0.00006; ESP Exome Variant Server 0.00015.

Submissions (3):

Labcorp Genetics (formerly Invitae), Labcorp
Classification: Uncertain significance. Last evaluated: 2024-10-17. Review status: criteria provided, single submitter. Criteria: Invitae Variant Classification Sherloc (09022015). Collection method: clinical testing. Allele origin: germline.
Comment: This sequence change replaces glycine, which is neutral and non-polar, with serine, which is neutral and polar, at codon 75 of the ROM1 protein (p.Gly75Ser). This variant is present in population databases (rs146227174, gnomAD 0.005%). This variant has not been reported in the literature in individuals affected with ROM1-related conditions. ClinVar contains an entry for this variant (Variation ID: 287753). Invitae Evidence Modeling of protein sequence and biophysical properties (such as structural, functional, and spatial information, amino acid conservation, physicochemical variation, residue mobility, and thermodynamic stability) indicates that this missense variant is not expected to disrupt ROM1 protein function with a negative predictive value of 80%. In summary, the available evidence is currently insufficient to determine the role of this variant in disease. Therefore, it has been classified as a Variant of Uncertain Significance.

Blueprint Genetics
Classification: Uncertain significance. Last evaluated: 2022-03-18. Review status: criteria provided, single submitter. Criteria: ACMG Guidelines, 2015. Collection method: clinical testing. Allele origin: germline.

Eurofins Ntd Llc (ga)
Classification: Uncertain significance. Last evaluated: 2016-06-04. Review status: criteria provided, single submitter. Criteria: EGL Classification Definitions 2015. Collection method: clinical testing. Allele origin: germline. Observed: 1 variant allele, 1 heterozygote.

Literature cited by the submitters: PubMed 8595413 (cited by Eurofins Ntd Llc (ga)).

NM_000327.4(ROM1):c.223G>A (p.Gly75Ser)

Gene: ROM1 (retinal outer segment membrane protein 1; plus strand). Cytogenetic location: 11q12.3.
Variant type: single nucleotide variant.
Coding change: c.223G>A on transcript NM_000327.4 (MANE Select); coding-DNA position 223, G replaced by A.
Protein change: p.Gly75Ser; replaces glycine 75 with serine.
Molecular consequence: missense variant.
Genome position (GRCh38, 1-based): chr11:62,613,504, G>A. VCF-style: chr11-62613504-G-A. GRCh37 (hg19) VCF-style: chr11-62380976-G-A.
Other names: short protein forms G75S.
Identifiers: ClinVar variation 287753 (VCV000287753.14), dbSNP rs146227174, ClinGen allele CA6049674.